The following is an entry in ClinVar:

ClinVar aggregate classification (germline): Pathogenic (1 of 4 stars; one submission).

Conditions:
Telangiectasia, hereditary hemorrhagic, type 2 (HHT2). Also called: Telangiectasia, hereditary hemorrhagic, type II; ACVRL1-Related Hereditary Hemorrhagic Telangiectasia. Identifiers: Orphanet 774, MedGen C1838163, MONDO:0010880, OMIM 600376. Disease mechanism: loss of function.

Submission:

Labcorp Genetics (formerly Invitae), Labcorp
Classification: Pathogenic for Telangiectasia, hereditary hemorrhagic, type 2. Last evaluated: 2025-02-28. Review status: criteria provided, single submitter. Criteria: Invitae Variant Classification Sherloc (09022015). Collection method: clinical testing. Allele origin: germline.
Comment: This sequence change creates a premature translational stop signal (p.Gly219Alafs*39) in the ACVRL1 gene. It is expected to result in an absent or disrupted protein product. Loss-of-function variants in ACVRL1 are known to be pathogenic (PMID: 15879500). This variant is not present in population databases (gnomAD no frequency). This variant has not been reported in the literature in individuals affected with ACVRL1-related conditions. For these reasons, this variant has been classified as Pathogenic.

Literature cited by the submitters: PubMed 15879500.

NM_000020.3(ACVRL1):c.656del (p.Gly219fs)

Gene: ACVRL1 (activin A receptor like type 1; plus strand). Cytogenetic location: 12q13.13.
Variant type: Deletion.
Coding change: c.656del on transcript NM_000020.3 (MANE Select); coding-DNA position 656, one base deleted (G; older notation c.656delG).
Protein change: p.Gly219fs; shifts the reading frame from glycine 219.
Molecular consequence: frameshift variant.
Genome position (GRCh38, 1-based): chr12:51,914,469, G deleted; the last of 4 consecutive G bases (chr12:51,914,466-51,914,469); deleting any one gives the same sequence. VCF-style (leftmost placement, unchanged base first): chr12-51914465-CG-C. GRCh37 (hg19) VCF-style: chr12-52308249-CG-C.
Other names: c.656del, p.Gly219fs (NM_001077401.2, NM_001406487.1, NM_001406488.1 and 1 more transcripts); c.344del, p.Gly115fs (NM_001406490.1, NM_001406491.1, NM_001406492.1 and 2 more transcripts); c.92del, p.Gly31fs (NM_001406495.1); short protein forms G31fs, G115fs, G219fs.
Identifiers: ClinVar variation 3727845 (VCV003727845.2).
Genomic context (GRCh38, chr12:51,914,465, plus strand): 5'-GTGTGTAACCCTCACCTTCCCCTCTGGCCATCAGGAAAAGGCCGCTATGGCGAAGTGTGG[CG>C]GGGCTTGTGGCACGGTGAGAGTGTGGCCGTCAAGATCTTCTCCTCGAGGGATGAACAGTC-3'